The following is an entry in ClinVar:

ClinVar aggregate classification (germline): Uncertain significance (0 of 4 stars; one submission).

Conditions:
CBL-related disorder. Also called: CBL MUTATION-ASSOCIATED SYNDROME; CBL SYNDROME; NOONAN SYNDROME-LIKE DISORDER WITHOUT JUVENILE MYELOMONOCYTIC LEUKEMIA. Identifiers: Orphanet 363972, MedGen C3150803, MONDO:0013308, OMIM 613563.

Submission:

PreventionGenetics, part of Exact Sciences
Classification: Uncertain significance for CBL-related condition. Last evaluated: 2024-07-25. Review status: no assertion criteria provided. Collection method: clinical testing. Allele origin: germline.
Comment: The CBL c.1996C>A variant is predicted to result in the amino acid substitution p.Pro666Thr. To our knowledge, this variant has not been reported in the literature or in a large population database, indicating this variant is rare. At this time, the clinical significance of this variant is uncertain due to the absence of conclusive functional and genetic evidence.

NM_005188.4(CBL):c.1996C>A (p.Pro666Thr)

Gene: CBL (Cbl proto-oncogene; plus strand). Cytogenetic location: 11q23.3.
Variant type: single nucleotide variant.
Coding change: c.1996C>A on transcript NM_005188.4 (MANE Select); coding-DNA position 1996, C replaced by A.
Protein change: p.Pro666Thr; replaces proline 666 with threonine.
Molecular consequence: missense variant.
Genome position (GRCh38, 1-based): chr11:119,287,906, C>A. VCF-style: chr11-119287906-C-A. GRCh37 (hg19) VCF-style: chr11-119158616-C-A.
Other names: short protein forms P666T.
Identifiers: ClinVar variation 3346174 (VCV003346174.1).